The following is an entry in ClinVar:

ClinVar aggregate classification (germline): Uncertain significance (1 of 4 stars; one submission).

Submission:

Women's Health and Genetics/Laboratory Corporation of America, LabCorp
Classification: Uncertain significance. Last evaluated: 2023-11-10. Review status: criteria provided, single submitter. Criteria: LabCorp Variant Classification Summary - May 2015. Collection method: clinical testing. Allele origin: germline.
Comment: Variant summary: MAFB c.452C>T (p.Ala151Val) results in a non-conservative amino acid change in the encoded protein sequence. Four of five in-silico tools predict a benign effect of the variant on protein function. The variant allele was found at a frequency of 5e-06 in 201506 control chromosomes. The available data on variant occurrences in the general population are insufficient to allow any conclusion about variant significance. To our knowledge, no occurrence of c.452C>T in individuals affected with MAFB-Related Disorders and no experimental evidence demonstrating its impact on protein function have been reported. No submitters have cited clinical-significance assessments for this variant to ClinVar after 2014. Based on the evidence outlined above, the variant was classified as uncertain significance.

NM_005461.5(MAFB):c.452C>T (p.Ala151Val)

Gene: MAFB (MAF bZIP transcription factor B; minus strand). Cytogenetic location: 20q12.
Variant type: single nucleotide variant.
Coding change: c.452C>T on transcript NM_005461.5 (MANE Select); coding-DNA position 452, C replaced by T.
Protein change: p.Ala151Val; replaces alanine 151 with valine.
Molecular consequence: missense variant.
Genome position (GRCh38, 1-based): chr20:40,688,399, G>A on the plus strand (C>T on the coding strand, the complement: MAFB is on the minus strand). VCF-style: chr20-40688399-G-A. GRCh37 (hg19) VCF-style: chr20-39317039-G-A.
Other names: short protein forms A151V.
Identifiers: ClinVar variation 2682455 (VCV002682455.1), dbSNP rs1232452672, ClinGen allele CA408941120.